The following is an entry in ClinVar:

ClinVar aggregate classification (germline): Uncertain significance (1 of 4 stars; one submission).

Conditions:
Intellectual developmental disorder with language impairment and early-onset DOPA-responsive dystonia-parkinsonism (IDLDP). Identifiers: Orphanet 660017, MedGen C5677001, MONDO:0859257, OMIM 619911.

gnomAD v4.1: 2 of 1,614,190 alleles (0.00012%); highest among the groups gnomAD compares: East Asian, 0.0045%; no homozygotes.

Submission:

Department of Paediatrics at Addenbrookes, Cambridge University Hospitals NHS Foundation Trust (UK)
Classification: Uncertain significance for Intellectual developmental disorder with language impairment and early-onset DOPA-responsive dystonia-parkinsonism. Last evaluated: 2025-05-27. Review status: criteria provided, single submitter. Criteria: Durkie Uk Practice Guidelines For Variant Classification V12 2024 (1). Collection method: clinical testing. Allele origin: unknown.
Comment: PM2_Moderate; PP2_Supporting; PP3_Supporting

NM_006186.4(NR4A2):c.235T>C (p.Tyr79His)

Gene: NR4A2 (nuclear receptor subfamily 4 group A member 2; minus strand). Cytogenetic location: 2q24.1.
Variant type: single nucleotide variant.
Coding change: c.235T>C on transcript NM_006186.4 (MANE Select); coding-DNA position 235, T replaced by C.
Protein change: p.Tyr79His; replaces tyrosine 79 with histidine.
Molecular consequence: missense variant.
Genome position (GRCh38, 1-based): chr2:156,329,952, A>G on the plus strand (T>C on the coding strand, the complement: NR4A2 is on the minus strand). VCF-style: chr2-156329952-A-G. GRCh37 (hg19) VCF-style: chr2-157186464-A-G.
Other names: c.46T>C, p.Tyr16His (NM_173173.3); short protein forms Y16H, Y79H.
Identifiers: ClinVar variation 4279532 (VCV004279532.1).